The following is an entry in ClinVar:

ClinVar aggregate classification (germline): Uncertain significance. Review status: criteria provided, multiple submitters, no conflicts (2 of 4 stars). 2 submissions from 2 submitters: Uncertain significance (2). Last evaluated 2025-08-19.

Conditions:
Landau-Kleffner syndrome (FESD). Also called: EPILEPSY, FOCAL, WITH SPEECH DISORDER AND WITH OR WITHOUT MENTAL RETARDATION; APHASIA, ACQUIRED, WITH EPILEPSY. Identifiers: Orphanet 1945, Orphanet 725, Orphanet 98818, MedGen C0282512, MONDO:0009509, OMIM 245570.

Allele frequency attached by ClinVar (database versions not stated): gnomAD 0.00001; TOPMed below 0.00001.
gnomAD v4.1: 1 of 1,613,100 alleles (0.000062%); highest among the groups gnomAD compares: Non-Finnish European, 0.000085%; no homozygotes.

Submissions (2):

Labcorp Genetics (formerly Invitae), Labcorp
Classification: Uncertain significance for Landau-Kleffner syndrome. Last evaluated: 2025-08-19. Review status: criteria provided, single submitter. Criteria: Invitae Variant Classification Sherloc (09022015). Collection method: clinical testing. Allele origin: germline.
Comment: This sequence change replaces serine, which is neutral and polar, with threonine, which is neutral and polar, at codon 1305 of the GRIN2A protein (p.Ser1305Thr). This variant is not present in population databases (gnomAD no frequency). This variant has not been reported in the literature in individuals affected with GRIN2A-related conditions. ClinVar contains an entry for this variant (Variation ID: 1705186). Invitae Evidence Modeling of protein sequence and biophysical properties (such as structural, functional, and spatial information, amino acid conservation, physicochemical variation, residue mobility, and thermodynamic stability) indicates that this missense variant is not expected to disrupt GRIN2A protein function with a negative predictive value of 95%. In summary, the available evidence is currently insufficient to determine the role of this variant in disease. Therefore, it has been classified as a Variant of Uncertain Significance.

Women's Health and Genetics/Laboratory Corporation of America, LabCorp
Classification: Uncertain significance. Last evaluated: 2022-08-24. Review status: criteria provided, single submitter. Criteria: LabCorp Variant Classification Summary - May 2015. Collection method: clinical testing. Allele origin: germline.
Comment: Variant summary: GRIN2A c.3914G>C (p.Ser1305Thr) results in a conservative amino acid change located in the C-terminal domain (IPR018884) of the encoded protein sequence. Five of five in-silico tools predict a benign effect of the variant on protein function. The variant allele was found at a frequency of 7.5e-06 in 133500 control chromosomes (gnomAD v3.1, genomes dataset). The available data on variant occurrences in the general population are insufficient to allow any conclusion about variant significance. To our knowledge, no occurrence of c.3914G>C in individuals affected with Epilepsy, Focal, With Speech Disorder and with or without Mental Retardation and no experimental evidence demonstrating its impact on protein function have been reported. No clinical diagnostic laboratories have submitted clinical-significance assessments for this variant to ClinVar after 2014. Based on the evidence outlined above, the variant was classified as uncertain significance.

NM_001134407.3(GRIN2A):c.3914G>C (p.Ser1305Thr)

Gene: GRIN2A (glutamate ionotropic receptor NMDA type subunit 2A; minus strand). Cytogenetic location: 16p13.2.
Variant type: single nucleotide variant.
Coding change: c.3914G>C on transcript NM_001134407.3 (MANE Select); coding-DNA position 3914, G replaced by C.
Protein change: p.Ser1305Thr; replaces serine 1305 with threonine.
Molecular consequence: missense variant. On other transcripts: intron variant (1).
Genome position (GRCh38, 1-based): chr16:9,763,630, C>G on the plus strand (G>C on the coding strand, the complement: GRIN2A is on the minus strand). VCF-style: chr16-9763630-C-G. GRCh37 (hg19) VCF-style: chr16-9857487-C-G.
Other names: c.3914G>C, p.Ser1305Thr (NM_000833.5); c.3772+142G>C (NM_001134408.2); short protein forms S1305T.
Identifiers: ClinVar variation 1705186 (VCV001705186.2), dbSNP rs1172222657, ClinGen allele CA394706568.